The following is an entry in ClinVar:

ClinVar aggregate classification (germline): Likely pathogenic. Review status: criteria provided, multiple submitters, no conflicts (2 of 4 stars). 2 submissions from 2 submitters: Likely pathogenic (2). Last evaluated 2024-09-17.

Conditions:
Bethlem myopathy 1A. Also called: Bethlem myopathy 1; Bethlem Muscular Dystrophy; MYOPATHY, BENIGN CONGENITAL, WITH CONTRACTURES. Identifiers: Orphanet 610, MedGen CN029274, MONDO:0024530, OMIM 158810.

Allele frequency attached by ClinVar (database versions not stated): gnomAD exomes below 0.00001.

Submissions (2):

Revvity Omics, Revvity
Classification: Likely pathogenic. Last evaluated: 2024-09-17. Review status: criteria provided, single submitter. Criteria: ACMG Guidelines, 2015. Collection method: clinical testing. Allele origin: germline.

Labcorp Genetics (formerly Invitae), Labcorp
Classification: Likely pathogenic for Bethlem myopathy 1A. Last evaluated: 2021-02-02. Review status: criteria provided, single submitter. Criteria: Invitae Variant Classification Sherloc (09022015). Collection method: clinical testing. Allele origin: germline.
Comment: In summary, the currently available evidence indicates that the variant is pathogenic, but additional data are needed to prove that conclusively. Therefore, this variant has been classified as Likely Pathogenic. This variant has not been reported in the literature in individuals with COL6A2-related conditions. This variant is not present in population databases (ExAC no frequency). This sequence change affects an acceptor splice site in intron 24 of the COL6A2 gene. It is expected to disrupt RNA splicing. Variants that disrupt the donor or acceptor splice site typically lead to a loss of protein function (PMID: 16199547), and loss-of-function variants in COL6A2 are known to be pathogenic (PMID: 19884007, 20976770).

Literature cited by the submitters: PubMed 16199547 (cited by Labcorp Genetics (formerly Invitae), Labcorp); PubMed 19884007 (cited by Labcorp Genetics (formerly Invitae), Labcorp); PubMed 20976770 (cited by Labcorp Genetics (formerly Invitae), Labcorp).

NM_001849.4(COL6A2):c.1817-3_1817-2del

Gene: COL6A2 (collagen type VI alpha 2 chain; plus strand). Cytogenetic location: 21q22.3.
Variant type: Deletion.
Coding change: c.1817-3_1817-2del on transcript NM_001849.4 (MANE Select); 3 bases into the intron before coding-DNA position 1817 through the canonical splice acceptor site of the intron before coding-DNA position 1817, 2 bases deleted (CA; older notation c.1817-3_1817-2delCA).
Molecular consequence: splice acceptor variant.
Genome position (GRCh38, 1-based): chr21:46,125,462-46,125,463, CA deleted. VCF-style (leftmost placement, unchanged base first): chr21-46125461-CCA-C. GRCh37 (hg19) VCF-style: chr21-47545375-CCA-C.
Other names: c.1817-3_1817-2del (NM_058175.3, NM_058174.3).
Identifiers: ClinVar variation 1503761 (VCV001503761.9), dbSNP rs1491048605, ClinGen allele CA638497858.
Genomic context (GRCh38, chr21:46,125,461, plus strand): 5'-GTGCACGTGACCCTAGGGTCTGAGGTCTCCCCGGTACCCCCCGATGACCCTGCCACCCCC[CCA>C]GACTGTGAGAAGCGCTGTGGCGCCCTGGACGTGGTCTTCGTCATCGACAGCTCCGAGAGC-3'